The following is an entry in ClinVar:

NM_174936.4(PCSK9):c.658G>A (p.Ala220Thr)

Gene: PCSK9 (proprotein convertase subtilisin/kexin type 9; plus strand). Cytogenetic location: 1p32.3.
Variant type: single nucleotide variant.
Coding change: c.658G>A on transcript NM_174936.4 (MANE Select); coding-DNA position 658, G replaced by A.
Protein change: p.Ala220Thr; replaces alanine 220 with threonine.
Molecular consequence: missense variant.
Genome position (GRCh38, 1-based): chr1:55,052,650, G>A. VCF-style: chr1-55052650-G-A. GRCh37 (hg19) VCF-style: chr1-55518323-G-A.
Other names: p.Ala220Thr; c.781G>A, p.Ala261Thr (NM_001407240.1); c.658G>A, p.Ala220Thr (NM_001407241.1, NM_001407244.1, NM_001407247.1); c.661G>A, p.Ala221Thr (NM_001407242.1); c.601G>A, p.Ala201Thr (NM_001407243.1); c.466G>A, p.Ala156Thr (NM_001407245.1); c.283G>A, p.Ala95Thr (NM_001407246.1); short protein forms A220T, A201T, A221T, A95T, A156T, A261T.
Identifiers: ClinVar variation 440718 (VCV000440718.20), dbSNP rs768795323, ClinGen allele CA043945.

ClinVar aggregate classification (germline): Uncertain significance. Review status: criteria provided, multiple submitters, no conflicts (2 of 4 stars). 8 submissions from 8 submitters: Uncertain significance (7). 1 of the submissions does not count toward it. Last evaluated 2025-08-21.

Conditions:
Cardiovascular phenotype. Identifiers: MedGen CN230736.
Familial hypercholesterolemia. Also called: Familial hypercholesterolaemia; Familial hypercholesterolemias. Identifiers: MedGen C0020445, MONDO:0005439.
Hypercholesterolemia, familial, 1. Also called: LDL RECEPTOR DISORDER; Hyperlipoproteinemia Type IIa; HYPER-LOW-DENSITY-LIPOPROTEINEMIA; HYPERCHOLESTEROLEMIC XANTHOMATOSIS, FAMILIAL; Fredrickson type IIa hyperlipoproteinemia; Hyperlipoproteinemia type 2. Identifiers: Orphanet 391665, MedGen C0745103, MONDO:0007750, OMIM 143890.
Hypercholesterolemia, autosomal dominant, 3 (FHCL3). Also called: Familial hypercholesterolemia 3; Familial Hypercholesterolemia, Autosomal Dominant, 3; PCSK9-Related Familial Hypercholesterolemia, Autosomal Dominant. Identifiers: MedGen C1863551, MONDO:0011369, OMIM 603776.

Allele frequency attached by ClinVar (database versions not stated): ExAC 0.00001; gnomAD 0.00001; gnomAD exomes 0.00001; TOPMed 0.00002.
gnomAD v4.1: 11 of 1,612,930 alleles (0.00068%); highest among the groups gnomAD compares: East Asian, 0.011%; no homozygotes.

Submissions (8):

Quest Diagnostics Nichols Institute San Juan Capistrano
Classification: Uncertain significance. Last evaluated: 2025-08-21. Review status: criteria provided, single submitter. Criteria: Quest Diagnostics criteria. Collection method: clinical testing. Allele origin: unknown.
Comment: The PCSK9 c.658G>A (p.Ala220Thr) variant has been reported in the published literature in individuals and families affected by hypercholesterolemia (PMID: 30795984 (2019), 34573395 (2021), 36752612 (2023), and 37805670 (2023)). The frequency of this variant in the general population (Genome Aggregation Database) is higher than would generally be expected for pathogenic variants in this gene. Analysis of this variant using bioinformatics tools for the prediction of the effect of amino acid changes on protein structure and function yielded conflicting predictions that this variant is deleterious or benign. Based on the available information, we are unable to determine the clinical significance of this variant.

Color Diagnostics, LLC DBA Color Health
Classification: Uncertain significance for Familial hypercholesterolemia. Last evaluated: 2025-07-15. Review status: criteria provided, single submitter. Criteria: ACMG Guidelines, 2015. Collection method: clinical testing. Allele origin: germline.
Comment: This missense variant replaces alanine with threonine at codon 220 of the PCSK9 protein. Computational prediction suggests that this variant may not impact protein structure and function. To our knowledge, functional studies have not been reported for this variant. This variant not been reported in individuals affected with hypercholesterolemia (PMID: 30795984, 34573395, 35913489, 36752612) and in an individual affected with acute myocardial infarction (PMID: PMID: 37805670). This variant has been identified in 4/280576 chromosomes in the general population by the Genome Aggregation Database (gnomAD). The available evidence is insufficient to determine the role of this variant in disease conclusively. Therefore, this variant is classified as a Variant of Uncertain Significance.

Molecular Diagnostic Laboratory for Inherited Cardiovascular Disease, Montreal Heart Institute
Classification: Uncertain significance for Cardiovascular phenotype. Last evaluated: 2025-04-09. Review status: criteria provided, single submitter. Criteria: ACMG Guidelines, 2015. Collection method: clinical testing. Allele origin: germline. Affected: yes.

Mayo Clinic Laboratories, Mayo Clinic
Classification: Uncertain significance. Last evaluated: 2025-03-14. Review status: criteria provided, single submitter. Criteria: ACMG Guidelines, 2015. Collection method: clinical testing. Allele origin: germline. Observed: 1 variant allele.
Comment: BS1

Labcorp Genetics (formerly Invitae), Labcorp
Classification: Uncertain significance for Hypercholesterolemia, autosomal dominant, 3. Last evaluated: 2024-09-23. Review status: criteria provided, single submitter. Criteria: Invitae Variant Classification Sherloc (09022015). Collection method: clinical testing. Allele origin: germline.
Comment: This sequence change replaces alanine, which is neutral and non-polar, with threonine, which is neutral and polar, at codon 220 of the PCSK9 protein (p.Ala220Thr). This variant is present in population databases (rs768795323, gnomAD 0.02%). This missense change has been observed in individual(s) with clinical features of familial hypercholesterolemia (PMID: 30795984, 34573395, 35913489, 36752612). ClinVar contains an entry for this variant (Variation ID: 440718). An algorithm developed to predict the effect of missense changes on protein structure and function (PolyPhen-2) suggests that this variant¬†is likely to be tolerated. In summary, the available evidence is currently insufficient to determine the role of this variant in disease. Therefore, it has been classified as a Variant of Uncertain Significance.

Ambry Genetics
Classification: Uncertain significance for Cardiovascular phenotype. Last evaluated: 2023-12-28. Review status: criteria provided, single submitter. Criteria: Ambry Variant Classification Scheme 2023. Collection method: clinical testing. Allele origin: germline.
Comment: Occurs in the first base pair of the exon Based on insufficient or conflicting evidence, the clinical significance of this alteration remains unclear.

All of Us Research Program, National Institutes of Health
Classification: Uncertain significance for Hypercholesterolemia, autosomal dominant, 3. Last evaluated: 2023-08-28. Review status: criteria provided, single submitter. Criteria: ACMG Guidelines, 2015. Collection method: clinical testing. Allele origin: germline. Inheritance: Autosomal dominant inheritance. Observed: 2 variant alleles, 2 heterozygotes.
Comment: This missense variant replaces alanine with threonine at codon 220 of the PCSK9 protein. Computational prediction tool suggests that this variant may not impact protein structure and function (internally defined REVEL score threshold <=0.5, PMID: 27666373). Splice site prediction tools suggest that this variant may not impact RNA splicing. To our knowledge, functional studies have not been performed for this variant. This variant has been reported in two individuals affected with familial hypercholesterolemia (PMID: 30795984). This variant has also been identified in 4/280576 chromosomes in the general population by the Genome Aggregation Database (gnomAD). The available evidence is insufficient to determine the role of this variant in disease conclusively. Therefore, this variant is classified as a Variant of Uncertain Significance.

This study involves interpretation of variants in research participants for the purpose of population health screening. Participant phenotype was not available at the time of variant classification. Additional details can be found in publication PMID: 35346344, PMCID: PMC8962531

Laboratorium voor Moleculaire Diagnostiek Experimentele Vasculaire Geneeskunde, Academisch Medisch Centrum
Classification: Pathogenic for Familial hypercholesterolemia. Review status: no assertion criteria provided. Collection method: research. Allele origin: germline. Not counted in ClinVar's aggregate classification.

Literature cited by the submitters: PubMed 37805670 (cited by 3 submitters); PubMed 30795984 (cited by 6 submitters); PubMed 34782856 (cited by Quest Diagnostics Nichols Institute San Juan Capistrano); PubMed 33173529 (cited by Quest Diagnostics Nichols Institute San Juan Capistrano); PubMed 34573395 (cited by 5 submitters); PubMed 36752612 (cited by 4 submitters); PubMed 35913489 (cited by 4 submitters).